The following is an entry in ClinVar:

NM_030665.4(RAI1):c.4911G>A (p.Ser1637=)

Gene: RAI1 (retinoic acid induced 1; plus strand). Cytogenetic location: 17p11.2.
Variant type: single nucleotide variant.
Coding change: c.4911G>A on transcript NM_030665.4 (MANE Select); coding-DNA position 4911, G replaced by A.
Protein change: p.Ser1637=; no amino-acid change (serine 1637 retained).
Molecular consequence: synonymous variant.
Genome position (GRCh38, 1-based): chr17:17,797,859, G>A. VCF-style: chr17-17797859-G-A. GRCh37 (hg19) VCF-style: chr17-17701173-G-A.
Other names: c.4911G>A (NM_030665.3).
Identifiers: ClinVar variation 1593975 (VCV001593975.11), dbSNP rs756222196, ClinGen allele CA8419062.

ClinVar aggregate classification (germline): Likely benign. Review status: criteria provided, multiple submitters, no conflicts (2 of 4 stars). 3 submissions from 3 submitters: Likely benign (2). 1 of the submissions does not count toward it. Last evaluated 2025-06-12.

Conditions:
RAI1-related disorder. Also called: RAI1-related condition.
Smith-Magenis syndrome (SMS). Also called: CHROMOSOME 17p11.2 DELETION SYNDROME. Identifiers: Orphanet 819, MedGen C0795864, MONDO:0008434, OMIM 182290.

Allele frequency attached by ClinVar (database versions not stated): gnomAD 0.00001; gnomAD exomes 0.00001 and 0.00003; ExAC 0.00002; TOPMed 0.00002.
gnomAD v4.1: 43 of 1,613,718 alleles (0.0027%); highest among the groups gnomAD compares: Non-Finnish European, 0.0032%; no homozygotes.

Submissions (3):

Labcorp Genetics (formerly Invitae), Labcorp
Classification: Likely benign. Last evaluated: 2025-06-12. Review status: criteria provided, single submitter. Criteria: Invitae Variant Classification Sherloc (09022015). Collection method: clinical testing. Allele origin: germline.

Fulgent Genetics
Classification: Likely benign for Smith-Magenis syndrome. Last evaluated: 2021-10-19. Review status: criteria provided, single submitter. Criteria: ACMG Guidelines, 2015. Collection method: clinical testing. Allele origin: unknown.

PreventionGenetics, part of Exact Sciences
Classification: Likely benign for RAI1-related condition. Last evaluated: 2022-08-01. Review status: no assertion criteria provided. Collection method: clinical testing. Allele origin: germline. Not counted in ClinVar's aggregate classification.
Comment: This variant is classified as likely benign based on ACMG/AMP sequence variant interpretation guidelines (Richards et al. 2015 PMID: 25741868, with internal and published modifications).